The following is an entry in ClinVar:

NM_004304.5(ALK):c.2764G>A (p.Gly922Arg)

Gene: ALK (ALK receptor tyrosine kinase; minus strand). Cytogenetic location: 2p23.2.
Variant type: single nucleotide variant.
Coding change: c.2764G>A on transcript NM_004304.5 (MANE Select); coding-DNA position 2764, G replaced by A.
Protein change: p.Gly922Arg; replaces glycine 922 with arginine.
Molecular consequence: missense variant.
Genome position (GRCh38, 1-based): chr2:29,228,935, C>T on the plus strand (G>A on the coding strand, the complement: ALK is on the minus strand). VCF-style: chr2-29228935-C-T. GRCh37 (hg19) VCF-style: chr2-29451801-C-T.
Other names: short protein forms G922R.
Identifiers: ClinVar variation 857732 (VCV000857732.10), dbSNP rs745317944, ClinGen allele CA1594205.

ClinVar aggregate classification (germline): Uncertain significance. Review status: criteria provided, multiple submitters, no conflicts (2 of 4 stars). 2 submissions from 2 submitters: Uncertain significance (2). Last evaluated 2026-01-28.

Conditions:
Neuroblastoma, susceptibility to, 3. Also called: ALK-Related Neuroblastic Tumor Susceptibility. Identifiers: Orphanet 635, MedGen C2751681, MONDO:0013083, OMIM 613014.
Hereditary cancer-predisposing syndrome. Also called: Hereditary Cancer Syndrome; Tumor predisposition; Neoplastic Syndromes, Hereditary; Hereditary neoplastic syndrome. Identifiers: Orphanet 140162, MedGen C0027672, MeSH D009386, MONDO:0015356.

Allele frequency attached by ClinVar (database versions not stated): gnomAD 0.00001 and 0.00002; gnomAD exomes 0.00002; ExAC 0.00003.
gnomAD v4.1: 10 of 1,468,770 alleles (0.00068%); highest among the groups gnomAD compares: South Asian, 0.0024%; no homozygotes.

Submissions (2):

Ambry Genetics
Classification: Uncertain significance for Hereditary cancer-predisposing syndrome. Last evaluated: 2026-01-28. Review status: criteria provided, single submitter. Criteria: Ambry Variant Classification Scheme 2023. Collection method: clinical testing. Allele origin: germline.
Comment: The p.G922R variant (also known as c.2764G>A), located in coding exon 16 of the ALK gene, results from a G to A substitution at nucleotide position 2764. The glycine at codon 922 is replaced by arginine, an amino acid with dissimilar properties. This amino acid position is highly conserved in available vertebrate species. In addition, the in silico prediction for this alteration is inconclusive. Based on the available evidence, the clinical significance of this variant remains unclear.

Labcorp Genetics (formerly Invitae), Labcorp
Classification: Uncertain significance for Neuroblastoma, susceptibility to, 3. Last evaluated: 2025-09-11. Review status: criteria provided, single submitter. Criteria: Invitae Variant Classification Sherloc (09022015). Collection method: clinical testing. Allele origin: germline.
Comment: This sequence change replaces glycine, which is neutral and non-polar, with arginine, which is basic and polar, at codon 922 of the ALK protein (p.Gly922Arg). This variant is present in population databases (rs745317944, gnomAD 0.003%). This variant has not been reported in the literature in individuals affected with ALK-related conditions. ClinVar contains an entry for this variant (Variation ID: 857732). An algorithm developed to predict the effect of missense changes on protein structure and function (PolyPhen-2) suggests that this variant is likely to be disruptive. In summary, the available evidence is currently insufficient to determine the role of this variant in disease. Therefore, it has been classified as a Variant of Uncertain Significance.